The following is an entry in ClinVar:

NM_001813.3(CENPE):c.5698A>G (p.Thr1900Ala)

Gene: CENPE (centromere protein E; minus strand). Cytogenetic location: 4q24.
Variant type: single nucleotide variant.
Coding change: c.5698A>G on transcript NM_001813.3 (MANE Select); coding-DNA position 5698, A replaced by G.
Protein change: p.Thr1900Ala; replaces threonine 1900 with alanine.
Molecular consequence: missense variant.
Genome position (GRCh38, 1-based): chr4:103,140,870, T>C on the plus strand (A>G on the coding strand, the complement: CENPE is on the minus strand). VCF-style: chr4-103140870-T-C. GRCh37 (hg19) VCF-style: chr4-104062027-T-C.
Other names: c.5623A>G, p.Thr1875Ala (NM_001286734.2); short protein forms T1875A, T1900A.
Identifiers: ClinVar variation 2302121 (VCV002302121.3), dbSNP rs546286554, ClinGen allele CA3029562.
Genomic context (GRCh38, chr4:103,140,870, plus strand): 5'-TCACTCTAGCTTTGGTTTCTTGCAGGCTTTCCTTGAGTTGGTCTCTCTCCAGTTTGAGTG[T>C]CTCCTCTACTCTTCTTAGATTATCTCTTTCTTTCATTACAGATTTCATTTCTTCAAGGTT-3'
Protein context (NP_001804.2, residues 1890-1910): ERDNLRRVEE[Thr1900Ala]LKLERDQLKE

ClinVar aggregate classification (germline): Uncertain significance. Review status: criteria provided, multiple submitters, no conflicts (2 of 4 stars). 2 submissions from 2 submitters: Uncertain significance (2). Last evaluated 2022-07-19.

Conditions:
Microcephaly 13, primary, autosomal recessive. Identifiers: Orphanet 808, MedGen C4015080, MONDO:0014473, OMIM 616051.

Allele frequency attached by ClinVar (database versions not stated): gnomAD 0.00001; gnomAD exomes 0.00001; ExAC 0.00003; 1000 Genomes Project 30x 0.00031; 1000 Genomes Project 0.00040.
gnomAD v4.1: 9 of 1,607,370 alleles (0.00056%); highest among the groups gnomAD compares: South Asian, 0.009%; no homozygotes.

Submissions (2):

Ambry Genetics
Classification: Uncertain significance. Last evaluated: 2022-07-19. Review status: criteria provided, single submitter. Criteria: Ambry Variant Classification Scheme 2023. Collection method: clinical testing. Allele origin: germline.

Neuberg Centre For Genomic Medicine, NCGM
Classification: Uncertain significance for Microcephaly 13, primary, autosomal recessive. Review status: criteria provided, single submitter. Criteria: ACMG Guidelines, 2015. Collection method: clinical testing. Allele origin: germline. Inheritance: Autosomal recessive inheritance. Affected: yes.
Comment: The observed missense c.5698A>Gp.Thr1900Ala variant in CENPE gene has not been reported previously as a pathogenic variant nor as a benign variant, to our knowledge. This variant is present with an allele frequency of 0.001% in gnomAD Exomes database. This variant has been submitted to the ClinVar database as Uncertain Significance. Multiple lines of computational evidence Polyphen - Benign, SIFT - Tolerated and MutationTaster - Polymorphism predict no damaging effect on protein structure and function for this variant. The amino acid Thr at position 1900 is changed to a Ala changing protein sequence and it might alter its composition and physico-chemical properties. For these reasons, this variant has been classified as Uncertain Significance VUS.